The following is an entry in ClinVar:

ClinVar aggregate classification (germline): Uncertain significance (1 of 4 stars; one submission).

Allele frequency attached by ClinVar (database versions not stated): TOPMed below 0.00001; gnomAD 0.00001; gnomAD exomes 0.00002.

Submission:

Labcorp Genetics (formerly Invitae), Labcorp
Classification: Uncertain significance. Last evaluated: 2022-03-19. Review status: criteria provided, single submitter. Criteria: Invitae Variant Classification Sherloc (09022015). Collection method: clinical testing. Allele origin: germline.
Comment: In summary, the available evidence is currently insufficient to determine the role of this variant in disease. Therefore, it has been classified as a Variant of Uncertain Significance. Experimental studies and prediction algorithms are not available or were not evaluated, and the functional significance of this variant is currently unknown. This variant has not been reported in the literature in individuals affected with DDX58-related conditions. This variant is not present in population databases (gnomAD no frequency). This variant, c.2057_2059del, is a complex sequence change that results in the deletion of 2 and insertion of 1 amino acid(s) in the DDX58 protein (p.Lys686_Ala687delinsThr).

NM_014314.4(RIGI):c.2057_2059del (p.Lys686_Ala687delinsThr)

Gene: RIGI (RNA sensor RIG-I; minus strand). Cytogenetic location: 9p21.1.
Variant type: Deletion.
Coding change: c.2057_2059del on transcript NM_014314.4 (MANE Select); coding-DNA positions 2057 to 2059, 3 bases deleted (AAG; older notation c.2057_2059delAAG).
Protein change: p.Lys686_Ala687delinsThr.
Molecular consequence: inframe indel. On other transcripts: intron variant (1).
Genome position (GRCh38, 1-based): chr9:32,467,888-32,467,890, CTT deleted on the plus strand (AAG on the coding strand, the reverse complement: RIGI is on the minus strand). VCF-style (leftmost placement, unchanged base first): chr9-32467887-GCTT-G. GRCh37 (hg19) VCF-style: chr9-32467885-GCTT-G.
Other names: c.2051_2053del, p.Lys684_Ala685delinsThr (NM_001385907.1); c.1616_1618del, p.Lys539_Ala540delinsThr (NM_001385910.1); c.1448_1450del, p.Lys483_Ala484delinsThr (NM_001385912.1); c.2042_2044del, p.Lys681_Ala682delinsThr (NM_001385913.1); c.1613_1615del, p.Lys538_Ala539delinsThr (NM_001385914.1); c.2015-1449_2015-1447del (NM_001385909.1).
Identifiers: ClinVar variation 1908440 (VCV001908440.5), dbSNP rs1209323770, ClinGen allele CA863282024.
Genomic context (GRCh38, chr9:32,467,887, plus strand): 5'-GCAATGTCAATGCCTTCATCAGCAACTGAGGTGGCAATCAGAATATTGTGATCTCCACTG[GCTT>G]TGAATGCATCCAATATACACTTCTGTGCCGGGAGGGTCATTCCTGTGTCAGAGTAAGAGG-3'